The following is an entry in ClinVar:

ClinVar aggregate classification (germline): Uncertain significance. Review status: criteria provided, multiple submitters, no conflicts (2 of 4 stars). 4 submissions from 4 submitters: Uncertain significance (4). Last evaluated 2025-06-18.

Conditions:
Familial thoracic aortic aneurysm and aortic dissection (TAAD). Also called: Thoracic aortic aneurysms and dissections. Identifiers: Orphanet 91387, MedGen C4707243, MONDO:0019625.
Aortic aneurysm, familial thoracic 4 (AAT4). Also called: AORTIC ANEURYSM/AORTIC DISSECTION AND PATENT DUCTUS ARTERIOSUS. Identifiers: MedGen C1851504, MONDO:0007568, OMIM 132900.

Allele frequency attached by ClinVar (database versions not stated): gnomAD exomes 0.00001; TOPMed 0.00001.
gnomAD v4.1: 10 of 1,612,128 alleles (0.00062%); highest among the groups gnomAD compares: East Asian, 0.0089%; no homozygotes.

Submissions (4):

Color Diagnostics, LLC DBA Color Health
Classification: Uncertain significance for Familial thoracic aortic aneurysm and aortic dissection. Last evaluated: 2025-06-18. Review status: criteria provided, single submitter. Criteria: ACMG Guidelines, 2015. Collection method: clinical testing. Allele origin: germline.
Comment: This missense variant replaces arginine with glutamine at codon 1282 of the MYH11 protein. Computational prediction tool is inconclusive regarding the impact of this variant on protein structure and function. To our knowledge, functional studies have not been reported for this variant. This variant has not been reported in individuals affected with MYH11-related disorders in the literature. This variant has been identified in 3/250044 chromosomes in the general population by the Genome Aggregation Database (gnomAD). The available evidence is insufficient to determine the role of this variant in disease conclusively. Therefore, this variant is classified as a Variant of Uncertain Significance.

All of Us Research Program, National Institutes of Health
Classification: Uncertain significance for Familial thoracic aortic aneurysm and aortic dissection. Last evaluated: 2023-09-17. Review status: criteria provided, single submitter. Criteria: ACMG Guidelines, 2015. Collection method: clinical testing. Allele origin: germline. Inheritance: Autosomal dominant inheritance. Observed: 3 variant alleles, 3 heterozygotes.
Comment: This missense variant replaces arginine with glutamine at codon 1282 of the MYH11 protein. Computational prediction is inconclusive regarding the impact of this variant on protein structure and function (internally defined REVEL score threshold 0.5 < inconclusive < 0.7, PMID: 27666373). To our knowledge, functional studies have not been reported for this variant. This variant has not been reported in individuals affected with MYH11-related disorders in the literature. This variant has been identified in 3/250044 chromosomes in the general population by the Genome Aggregation Database (gnomAD). The available evidence is insufficient to determine the role of this variant in disease conclusively. Therefore, this variant is classified as a Variant of Uncertain Significance.

This study involves interpretation of variants in research participants for the purpose of population health screening. Participant phenotype was not available at the time of variant classification. Additional details can be found in publication PMID: 35346344, PMCID: PMC8962531

Labcorp Genetics (formerly Invitae), Labcorp
Classification: Uncertain significance for Aortic aneurysm, familial thoracic 4. Last evaluated: 2022-06-13. Review status: criteria provided, single submitter. Criteria: Invitae Variant Classification Sherloc (09022015). Collection method: clinical testing. Allele origin: germline.
Comment: ClinVar contains an entry for this variant (Variation ID: 887027). This variant has not been reported in the literature in individuals affected with MYH11-related conditions. This variant is present in population databases (no rsID available, gnomAD 0.02%). This sequence change replaces arginine, which is basic and polar, with glutamine, which is neutral and polar, at codon 1282 of the MYH11 protein (p.Arg1282Gln). In summary, the available evidence is currently insufficient to determine the role of this variant in disease. Therefore, it has been classified as a Variant of Uncertain Significance. Algorithms developed to predict the effect of missense changes on protein structure and function are either unavailable or do not agree on the potential impact of this missense change (SIFT: "Deleterious"; PolyPhen-2: "Possibly Damaging"; Align-GVGD: "Class C0").

Illumina Laboratory Services, Illumina
Classification: Uncertain significance for Aortic aneurysm, familial thoracic 4. Last evaluated: 2018-01-13. Review status: criteria provided, single submitter. Criteria: ICSL Variant Classification Criteria 13 December 2019. Collection method: clinical testing. Allele origin: germline.

NM_002474.3(MYH11):c.3824G>A (p.Arg1275Gln)

Gene: MYH11 (myosin heavy chain 11; minus strand). Cytogenetic location: 16p13.11.
Variant type: single nucleotide variant.
Coding change: c.3824G>A on transcript NM_002474.3 (MANE Select); coding-DNA position 3824, G replaced by A.
Protein change: p.Arg1275Gln; replaces arginine 1275 with glutamine.
Molecular consequence: missense variant.
Genome position (GRCh38, 1-based): chr16:15,726,882, C>T on the plus strand (G>A on the coding strand, the complement: MYH11 is on the minus strand). VCF-style: chr16-15726882-C-T. GRCh37 (hg19) VCF-style: chr16-15820739-C-T.
Other names: c.3845G>A, p.Arg1282Gln (NM_001040113.2, NM_001040114.2); c.3824G>A, p.Arg1275Gln (NM_022844.3); short protein forms R1282Q, R1275Q.
Identifiers: ClinVar variation 887027 (VCV000887027.8), dbSNP rs267606901, ClinGen allele CA394859993.